The following is an entry in ClinVar:

NM_002547.3(OPHN1):c.4G>C (p.Gly2Arg)

Gene: OPHN1 (oligophrenin 1; minus strand). Cytogenetic location: Xq12.
Variant type: single nucleotide variant.
Coding change: c.4G>C on transcript NM_002547.3 (MANE Select); coding-DNA position 4, G replaced by C.
Protein change: p.Gly2Arg; replaces glycine 2 with arginine.
Molecular consequence: missense variant.
Genome position (GRCh38, 1-based): chrX:68,433,017, C>G on the plus strand (G>C on the coding strand, the complement: OPHN1 is on the minus strand). VCF-style: chrX-68433017-C-G. GRCh37 (hg19) VCF-style: chrX-67652859-C-G.
Other names: short protein forms G2R.
Identifiers: ClinVar variation 3064057 (VCV003064057.3), dbSNP rs1200813419, ClinGen allele CA413435298.

ClinVar aggregate classification (germline): Uncertain significance (1 of 4 stars; one submission).

Conditions:
OPHN1-related disorder.

Allele frequency attached by ClinVar (database versions not stated): gnomAD exomes below 0.00001; TOPMed below 0.00001.
gnomAD v4.1: 2 of 1,203,347 alleles (0.00017%); highest among the groups gnomAD compares: South Asian, 0.0036%; no homozygotes.

Submission:

Women's Health and Genetics/Laboratory Corporation of America, LabCorp
Classification: Uncertain significance. Last evaluated: 2026-04-14. Review status: criteria provided, single submitter. Criteria: LabCorp Variant Classification Summary - May 2015. Collection method: clinical testing. Allele origin: germline.
Comment: Variant summary: OPHN1 c.4G>C (p.Gly2Arg) results in a non-conservative amino acid change in the encoded protein sequence. Algorithms developed to predict the effects of missense changes on protein structure and function are either unavailable or disagree on the potential impact of this missense change. The variant was absent in 165306 control chromosomes. The available data on variant occurrences in the general population are insufficient to allow any conclusion about variant significance. c.4G>C has been observed in the hemizygous state in an individual affected with X-Linked Intellectual Disability-Cerebellar Hypoplasia Syndrome (Nair_2018). These data do not allow any conclusion about the significance of the variant. To our knowledge, no experimental evidence demonstrating an impact on protein function has been reported. The following publication has been ascertained in the context of this evaluation (PMID: 30293248). ClinVar contains an entry for this variant (Variation ID: 3064057). Based on the evidence outlined above, the variant was classified as uncertain significance.

Literature cited by the submitters: PubMed 30293248 (cited by Women's Health and Genetics/Laboratory Corporation of America, LabCorp).